The following is an entry in ClinVar:

ClinVar aggregate classification (germline): Pathogenic. Review status: criteria provided, multiple submitters, no conflicts (2 of 4 stars). 3 submissions from 3 submitters: Pathogenic (3). Last evaluated 2023-08-24.

Conditions:
Hereditary nonpolyposis colorectal neoplasms. Identifiers: MedGen C0009405, MeSH D003123.
Hereditary cancer-predisposing syndrome. Also called: Hereditary neoplastic syndrome; Tumor predisposition; Hereditary Cancer Syndrome; Neoplastic Syndromes, Hereditary. Identifiers: Orphanet 140162, MedGen C0027672, MeSH D009386, MONDO:0015356.
Lynch syndrome 5 (LYNCH5). Also called: Colorectal cancer, hereditary nonpolyposis, type 5; Hereditary non-polyposis colorectal cancer, type 5. Identifiers: Orphanet 144, MedGen C1833477, MONDO:0013710, OMIM 614350. Disease mechanism: loss of function.

gnomAD v4.1: 1 of 1,613,860 alleles (0.000062%); highest among the groups gnomAD compares: Middle Eastern, 0.017%; no homozygotes.

Submissions (3):

Myriad Genetics, Inc.
Classification: Pathogenic for Lynch syndrome 5. Last evaluated: 2023-08-24. Review status: criteria provided, single submitter. Criteria: Myriad Autosomal Dominant, Autosomal Recessive and X-Linked Classification Criteria (2023). Collection method: clinical testing. Allele origin: unknown.
Comment: This variant is considered pathogenic. This variant creates a termination codon and is predicted to result in premature protein truncation.

Ambry Genetics
Classification: Pathogenic for Hereditary cancer-predisposing syndrome. Last evaluated: 2023-06-28. Review status: criteria provided, single submitter. Criteria: Ambry Variant Classification Scheme 2023. Collection method: clinical testing. Allele origin: germline.
Comment: The p.R1176* pathogenic mutation (also known as c.3526A>T), located in coding exon 6 of the MSH6 gene, results from an A to T substitution at nucleotide position 3526. This changes the amino acid from an arginine to a stop codon within coding exon 6. This alteration is expected to result in loss of function by premature protein truncation or nonsense-mediated mRNA decay. As such, this alteration is interpreted as a disease-causing mutation.

Labcorp Genetics (formerly Invitae), Labcorp
Classification: Pathogenic for Hereditary nonpolyposis colorectal neoplasms. Last evaluated: 2020-05-27. Review status: criteria provided, single submitter. Criteria: Invitae Variant Classification Sherloc (09022015). Collection method: clinical testing. Allele origin: germline.
Comment: This sequence change creates a premature translational stop signal (p.Arg1176*) in the MSH6 gene. It is expected to result in an absent or disrupted protein product. For these reasons, this variant has been classified as Pathogenic. Loss-of-function variants in MSH6 are known to be pathogenic (PMID: 18269114, 24362816). This variant has not been reported in the literature in individuals with MSH6-related conditions. ClinVar contains an entry for this variant (Variation ID: 220223). This variant is not present in population databases (ExAC no frequency).

Literature cited by the submitters: PubMed 18269114 (cited by Labcorp Genetics (formerly Invitae), Labcorp); PubMed 24362816 (cited by Labcorp Genetics (formerly Invitae), Labcorp).

NM_000179.3(MSH6):c.3526A>T (p.Arg1176Ter)

Gene: MSH6 (mutS homolog 6; plus strand). Cytogenetic location: 2p16.3.
Variant type: single nucleotide variant.
Coding change: c.3526A>T on transcript NM_000179.3 (MANE Select); coding-DNA position 3526, A replaced by T.
Protein change: p.Arg1176Ter; replaces arginine 1176 with a stop codon.
Molecular consequence: nonsense.
Genome position (GRCh38, 1-based): chr2:47,804,997, A>T. VCF-style: chr2-47804997-A-T. GRCh37 (hg19) VCF-style: chr2-48032136-A-T.
Other names: c.3136A>T, p.Arg1046Ter (NM_001281492.2); c.2620A>T, p.Arg874Ter (NM_001281493.2, NM_001281494.2); short protein forms R1176*, R1046*, R874*.
Identifiers: ClinVar variation 220223 (VCV000220223.15), dbSNP rs786203968, ClinGen allele CA348519.